The following is an entry in ClinVar:

ClinVar aggregate classification (germline): Uncertain significance (1 of 4 stars; one submission).

Conditions:
Hereditary sensory and autonomic neuropathy type 6. Also called: HSAN VI; Neuropathy, hereditary sensory and autonomic, type VI. Identifiers: Orphanet 314381, MedGen C3539003, MONDO:0013839, OMIM 614653.
Epidermolysis bullosa simplex 3, localized or generalized intermediate, with BP230 deficiency (EBS3). Also called: Epidermolysis bullosa simplex, autosomal recessive 2; Epidermolysis bullosa simplex due to BP230 deficiency. Identifiers: Orphanet 412181, MedGen C3809470, MONDO:0014180, OMIM 615425.

Allele frequency attached by ClinVar (database versions not stated): gnomAD exomes below 0.00001; TOPMed 0.00003.
gnomAD v4.1: 10 of 1,571,134 alleles (0.00064%); highest among the groups gnomAD compares: Admixed American, 0.0072%; no homozygotes.

Submission:

Labcorp Genetics (formerly Invitae), Labcorp
Classification: Uncertain significance for Epidermolysis bullosa simplex 3, localized or generalized intermediate, with BP230 deficiency; Hereditary sensory and autonomic neuropathy type 6. Last evaluated: 2020-06-04. Review status: criteria provided, single submitter. Criteria: Invitae Variant Classification Sherloc (09022015). Collection method: clinical testing. Allele origin: germline.
Comment: In summary, the available evidence is currently insufficient to determine the role of this variant in disease. Therefore, it has been classified as a Variant of Uncertain Significance. Experimental studies and prediction algorithms are not available or were not evaluated, and the functional significance of this variant is currently unknown. This variant has not been reported in the literature in individuals with DST-related conditions. This variant is not present in population databases (ExAC no frequency). This sequence change replaces lysine with glutamine at codon 1348 of the DST protein (p.Lys1348Gln). The lysine residue is moderately conserved and there is a small physicochemical difference between the two amino acids. The DST gene has multiple clinically relevant transcripts. This variant occurs in alternate transcript NM_015548.4, and corresponds to NM_001723.5:c.*17024A>C in the primary transcript.

NM_001374736.1(DST):c.11911A>C (p.Lys3971Gln)

Gene: DST (dystonin; minus strand). Cytogenetic location: 6p12.1.
Variant type: single nucleotide variant.
Coding change: c.11911A>C on transcript NM_001374736.1 (MANE Select); coding-DNA position 11911, A replaced by C.
Protein change: p.Lys3971Gln; replaces lysine 3971 with glutamine.
Molecular consequence: missense variant.
Genome position (GRCh38, 1-based): chr6:56,598,493, T>G on the plus strand (A>C on the coding strand, the complement: DST is on the minus strand). VCF-style: chr6-56598493-T-G. GRCh37 (hg19) VCF-style: chr6-56463291-T-G.
Other names: c.5554A>C, p.Lys1852Gln (NM_001144769.5); c.5140A>C, p.Lys1714Gln (NM_001144770.2); c.11911A>C, p.Lys3971Gln (NM_001374722.1); c.11278A>C, p.Lys3760Gln (NM_001374729.1); c.5020A>C, p.Lys1674Gln (NM_001374730.1, NM_001386100.1, NM_183380.4); c.11938A>C, p.Lys3980Gln (NM_001374734.1); c.4042A>C, p.Lys1348Gln (NM_015548.5); short protein forms K1348Q, K1674Q, K1714Q, K1852Q, K3760Q, K3971Q, K3980Q.
Identifiers: ClinVar variation 1014777 (VCV001014777.6), dbSNP rs939547269, ClinGen allele CA139192270.